The following is an entry in ClinVar:

ClinVar aggregate classification (germline): Conflicting classifications of pathogenicity. Review status: criteria provided, conflicting classifications (1 of 4 stars). 2 submissions from 2 submitters: Likely pathogenic (1); Uncertain significance (1). Last evaluated 2025-07-29.

Conditions:
Retinal cone dystrophy 4 (RCD4). Identifiers: Orphanet 1872, MedGen C1864849, MONDO:0012507, OMIM 610478.

Allele frequency attached by ClinVar (database versions not stated): gnomAD exomes 0.00003; TOPMed 0.00003; gnomAD 0.00004; ExAC 0.00005; 1000 Genomes Project 30x 0.00016; 1000 Genomes Project 0.00020.
gnomAD v4.1: 28 of 1,599,862 alleles (0.0018%); highest among the groups gnomAD compares: East Asian, 0.0068%; no homozygotes.

Submissions (2):

First Genomix Gene Laboratory, Genetic Diagnostics Department
Classification: Likely pathogenic for Retinal cone dystrophy 4. Last evaluated: 2025-07-29. Review status: criteria provided, single submitter. Criteria: ACMG Guidelines, 2015. Collection method: clinical testing. Allele origin: germline. Inheritance: Autosomal recessive inheritance. Affected: no. Observed: 1 variant allele.

Labcorp Genetics (formerly Invitae), Labcorp
Classification: Uncertain significance. Last evaluated: 2025-06-02. Review status: criteria provided, single submitter. Criteria: Invitae Variant Classification Sherloc (09022015). Collection method: clinical testing. Allele origin: germline.
Comment: This sequence change affects a donor splice site in intron 1 of the CACNA2D4 gene. It is expected to disrupt RNA splicing. Variants that disrupt the donor or acceptor splice site typically lead to a loss of protein function (PMID: 16199547), however the current clinical and genetic evidence is not sufficient to establish whether loss-of-function variants in CACNA2D4 cause disease. This variant is present in population databases (rs530684887, gnomAD 0.02%). This variant has not been reported in the literature in individuals affected with CACNA2D4-related conditions. ClinVar contains an entry for this variant (Variation ID: 1369266). Algorithms developed to predict the effect of sequence changes on RNA splicing suggest that this variant may disrupt the consensus splice site. In summary, the available evidence is currently insufficient to determine the role of this variant in disease. Therefore, it has been classified as a Variant of Uncertain Significance.

Literature cited by the submitters: PubMed 16199547 (cited by Labcorp Genetics (formerly Invitae), Labcorp).

NM_172364.5(CACNA2D4):c.227+1G>A

Gene: CACNA2D4 (calcium voltage-gated channel auxiliary subunit alpha2delta 4; minus strand). Cytogenetic location: 12p13.33.
Variant type: single nucleotide variant.
Coding change: c.227+1G>A on transcript NM_172364.5 (MANE Select); the canonical splice donor site of the intron after coding-DNA position 227, G replaced by A.
Molecular consequence: splice donor variant.
Genome position (GRCh38, 1-based): chr12:1,918,246, C>T on the plus strand (G>A on the coding strand, the complement: CACNA2D4 is on the minus strand). VCF-style: chr12-1918246-C-T. GRCh37 (hg19) VCF-style: chr12-2027412-C-T.
Identifiers: ClinVar variation 1369266 (VCV001369266.11), dbSNP rs530684887, ClinGen allele CA6387652.